The following is an entry in ClinVar:

NM_003334.4(UBA1):c.2542G>A (p.Asp848Asn)

Gene: UBA1 (ubiquitin like modifier activating enzyme 1; plus strand). Cytogenetic location: Xp11.3.
Variant type: single nucleotide variant.
Coding change: c.2542G>A on transcript NM_003334.4 (MANE Select); coding-DNA position 2542, G replaced by A.
Protein change: p.Asp848Asn; replaces aspartic acid 848 with asparagine.
Molecular consequence: missense variant.
Genome position (GRCh38, 1-based): chrX:47,212,501, G>A. VCF-style: chrX-47212501-G-A. GRCh37 (hg19) VCF-style: chrX-47071900-G-A.
Other names: c.2542G>A, p.Asp848Asn (NM_153280.3); short protein forms D848N.
Identifiers: ClinVar variation 3360885 (VCV003360885.1).

ClinVar aggregate classification (germline): Uncertain significance (1 of 4 stars; one submission).

Submission:

GeneDx
Classification: Uncertain significance. Last evaluated: 2023-07-13. Review status: criteria provided, single submitter. Criteria: GeneDx Variant Classification Process June 2021. Collection method: clinical testing. Allele origin: germline. Affected: yes.
Comment: Missense variants in this gene are often considered pathogenic (HGMD); In silico analysis supports that this missense variant has a deleterious effect on protein structure/function; Has not been previously published as pathogenic or benign to our knowledge; This variant is associated with the following publications: (PMID: 26432019)